The following is an entry in ClinVar:

ClinVar aggregate classification (germline): Uncertain significance (1 of 4 stars; one submission).

Conditions:
RASopathy. Also called: Noonan spectrum disorder; rasopathies. Identifiers: Orphanet 536391, MedGen C5555857, MONDO:0021060.

gnomAD v4.1: 2 of 1,613,684 alleles (0.00012%); highest among the groups gnomAD compares: Non-Finnish European, 0.00017%; no homozygotes.

Submission:

Labcorp Genetics (formerly Invitae), Labcorp
Classification: Uncertain significance for RASopathy. Last evaluated: 2025-09-27. Review status: criteria provided, single submitter. Criteria: Invitae Variant Classification Sherloc (09022015). Collection method: clinical testing. Allele origin: germline.
Comment: This sequence change replaces glutamine, which is neutral and polar, with arginine, which is basic and polar, at codon 545 of the SOS1 protein (p.Gln545Arg). This variant is present in population databases (rs779879442, gnomAD 0.0009%). This variant has not been reported in the literature in individuals affected with SOS1-related conditions. Invitae Evidence Modeling of protein sequence and biophysical properties (such as structural, functional, and spatial information, amino acid conservation, physicochemical variation, residue mobility, and thermodynamic stability) has been performed for this missense variant. However, the output from this modeling did not meet the statistical confidence thresholds required to predict the impact of this variant on SOS1 protein function. In summary, the available evidence is currently insufficient to determine the role of this variant in disease. Therefore, it has been classified as a Variant of Uncertain Significance.

NM_005633.4(SOS1):c.1634A>G (p.Gln545Arg)

Gene: SOS1 (SOS Ras/Rac guanine nucleotide exchange factor 1; minus strand). Cytogenetic location: 2p22.1.
Variant type: single nucleotide variant.
Coding change: c.1634A>G on transcript NM_005633.4 (MANE Select); coding-DNA position 1634, A replaced by G.
Protein change: p.Gln545Arg; replaces glutamine 545 with arginine.
Molecular consequence: missense variant.
Genome position (GRCh38, 1-based): chr2:39,022,794, T>C on the plus strand (A>G on the coding strand, the complement: SOS1 is on the minus strand). VCF-style: chr2-39022794-T-C. GRCh37 (hg19) VCF-style: chr2-39249935-T-C.
Other names: c.1613A>G, p.Gln538Arg (NM_001382394.1); c.1634A>G, p.Gln545Arg (NM_001382395.1); short protein forms Q538R, Q545R.
Identifiers: ClinVar variation 4777671 (VCV004777671.1).